The following is an entry in ClinVar:

ClinVar aggregate classification (germline): Uncertain significance. Review status: criteria provided, multiple submitters, no conflicts (2 of 4 stars). 2 submissions from 2 submitters: Uncertain significance (2). Last evaluated 2025-02-10.

Conditions:
Nemaline myopathy 2 (NEM2). Also called: Nemaline myopathy 2, autosomal recessive. Identifiers: MedGen C1850569, MONDO:0009725, OMIM 256030.

Allele frequency attached by ClinVar (database versions not stated): TOPMed below 0.00001; gnomAD 0.00001; gnomAD exomes 0.00001.
gnomAD v4.1: 18 of 1,613,818 alleles (0.0011%); highest among the groups gnomAD compares: Non-Finnish European, 0.0015%; no homozygotes.

Submissions (2):

Labcorp Genetics (formerly Invitae), Labcorp
Classification: Uncertain significance for Nemaline myopathy 2. Last evaluated: 2025-02-10. Review status: criteria provided, single submitter. Criteria: Invitae Variant Classification Sherloc (09022015). Collection method: clinical testing. Allele origin: germline.
Comment: This sequence change replaces aspartic acid, which is acidic and polar, with alanine, which is neutral and non-polar, at codon 7515 of the NEB protein (p.Asp7515Ala). This variant is not present in population databases (gnomAD no frequency). This variant has not been reported in the literature in individuals affected with NEB-related conditions. ClinVar contains an entry for this variant (Variation ID: 331418). Experimental studies and prediction algorithms are not available or were not evaluated, and the functional significance of this variant is currently unknown. In summary, the available evidence is currently insufficient to determine the role of this variant in disease. Therefore, it has been classified as a Variant of Uncertain Significance.

Illumina Laboratory Services, Illumina
Classification: Uncertain significance for Nemaline myopathy 2. Last evaluated: 2018-01-12. Review status: criteria provided, single submitter. Criteria: ICSL Variant Classification Criteria 13 December 2019. Collection method: clinical testing. Allele origin: germline.

NM_001164508.2(NEB):c.22439A>C (p.Asp7480Ala)

Genes: RIF1 (replication timing regulatory factor 1; plus strand), NEB (nebulin; minus strand). Cytogenetic location: 2q23.3.
Variant type: single nucleotide variant.
Coding change: c.22439A>C on transcript NM_001164508.2 (MANE Select); coding-DNA position 22439, A replaced by C.
Protein change: p.Asp7480Ala; replaces aspartic acid 7480 with alanine.
Molecular consequence: missense variant.
Genome position (GRCh38, 1-based): chr2:151,524,351, T>G on the plus strand (A>C on the coding strand, the complement: NEB is on the minus strand). VCF-style: chr2-151524351-T-G. GRCh37 (hg19) VCF-style: chr2-152380865-T-G.
Other names: c.22439A>C, p.Asp7480Ala (NM_001164507.2); c.22544A>C, p.Asp7515Ala (NM_001271208.2); c.17336A>C, p.Asp5779Ala (NM_004543.5); short protein forms D7515A, D5779A, D7480A.
Identifiers: ClinVar variation 331418 (VCV000331418.10), dbSNP rs886054928, ClinGen allele CA10610914.